The following is an entry in ClinVar:

ClinVar aggregate classification (germline): Pathogenic/Likely pathogenic. Review status: criteria provided, multiple submitters, no conflicts (2 of 4 stars). 4 submissions from 4 submitters: Pathogenic (3); Likely pathogenic (1). Last evaluated 2026-10-01.

Conditions:
Neurofibromatosis, type 1 (NF1). Also called: VON RECKLINGHAUSEN DISEASE; Neurofibromatosis, type I; NEUROFIBROMATOSIS, TYPE I, SOMATIC; Peripheral type neurofibromatosis. Identifiers: Orphanet 636, MedGen C0027831, MONDO:0018975, OMIM 162200. Disease mechanism: loss of function.

Submissions (4):

CeGaT Center for Human Genetics Tuebingen
Classification: Pathogenic. Last evaluated: 2026-10-01. Review status: criteria provided, single submitter. Criteria: CeGaT Center For Human Genetics Tuebingen Variant Classification Criteria Version 2. Collection method: clinical testing. Allele origin: germline. Affected: yes. Observed: 1 variant allele.
Comment: NF1: PVS1, PM2, PP4, PS4:Supporting

Labcorp Genetics (formerly Invitae), Labcorp
Classification: Pathogenic for Neurofibromatosis, type 1. Last evaluated: 2025-02-12. Review status: criteria provided, single submitter. Criteria: Invitae Variant Classification Sherloc (09022015). Collection method: clinical testing. Allele origin: germline.
Comment: This sequence change creates a premature translational stop signal (p.Ser1476Profs*3) in the NF1 gene. It is expected to result in an absent or disrupted protein product. Loss-of-function variants in NF1 are known to be pathogenic (PMID: 10712197, 23913538). This variant is not present in population databases (gnomAD no frequency). This premature translational stop signal has been observed in individual(s) with neurofibromatosis type 1 (PMID: 12807981). ClinVar contains an entry for this variant (Variation ID: 996524). For these reasons, this variant has been classified as Pathogenic.

Division of Genetic & Genomic Pathology, Hong Kong Children's Hospital
Classification: Pathogenic for Neurofibromatosis, type 1. Last evaluated: 2024-09-12. Review status: criteria provided, single submitter. Criteria: ACMG Guidelines, 2015. Collection method: clinical testing. Allele origin: germline. Affected: yes.
Comment: NF1 c.4426del is a 1-bp frameshift deletion located in exon 33 out of 57 exons. It is predicted to result in protein truncation or nonsense-mediated mRNA decay. It is not present in population control databases (gnomAD v2.1.1 and gnomAD v4.1.0). This variant has been reported in a patient with neurofibromatosis type I (PMID: 12807981). It is classified as pathogenic/likely pathogenic in ClinVar (VCV000996524.4). For these reasons, this variant is classified as pathogenic.

Genome Diagnostics Laboratory, The Hospital for Sick Children
Classification: Likely pathogenic for Neurofibromatosis, type 1. Last evaluated: 2020-10-26. Review status: criteria provided, single submitter. Criteria: ACMG Guidelines, 2015. Collection method: clinical testing. Allele origin: germline. Affected: yes.

Literature cited by the submitters: PubMed 10712197 (cited by Labcorp Genetics (formerly Invitae), Labcorp); PubMed 23913538 (cited by Labcorp Genetics (formerly Invitae), Labcorp); PubMed 12807981 (cited by Labcorp Genetics (formerly Invitae), Labcorp and Division of Genetic & Genomic Pathology, Hong Kong Children's Hospital).

NM_001042492.3(NF1):c.4489del (p.Ser1497fs)

Gene: NF1 (neurofibromin 1; plus strand). Cytogenetic location: 17q11.2.
Variant type: Deletion.
Coding change: c.4489del on transcript NM_001042492.3 (MANE Select); coding-DNA position 4489, one base deleted (T; older notation c.4489delT).
Protein change: p.Ser1497fs; shifts the reading frame from serine 1497.
Molecular consequence: frameshift variant.
Genome position (GRCh38, 1-based): chr17:31,260,427, T deleted; the last of 3 consecutive T bases (chr17:31,260,425-31,260,427); deleting any one gives the same sequence. VCF-style (leftmost placement, unchanged base first): chr17-31260424-CT-C. GRCh37 (hg19) VCF-style: chr17-29587442-CT-C.
Other names: c.4426delT (NM_000267.3); c.4426delT, p.Ser1476Profs (NM_000267.4); short protein forms S1476fs, S1497fs.
Identifiers: ClinVar variation 996524 (VCV000996524.8), dbSNP rs2067664000, ClinGen allele CA2255576144.
Genomic context (GRCh38, chr17:31,260,424, plus strand): 5'-TGAAGGTTTTTCCTTGATATAGCATCTGATTGTCCTACAAGTGATGCAGTAAATCATAGT[CT>C]TTCCTTCATAAGTGACGGCAATGTGCTTGCTTTACATCGTCTACTCTGGAACAATCAGGA-3'